The following is an entry in ClinVar:

ClinVar aggregate classification (germline): Uncertain significance (1 of 4 stars; one submission).

Conditions:
Hereditary cancer-predisposing syndrome. Also called: Hereditary Cancer Syndrome; Neoplastic Syndromes, Hereditary; Tumor predisposition; Hereditary neoplastic syndrome. Identifiers: Orphanet 140162, MedGen C0027672, MeSH D009386, MONDO:0015356.

gnomAD v4.1: 2 of 1,591,980 alleles (0.00013%); highest among the groups gnomAD compares: African/African-American, 0.0013%; no homozygotes.

Submission:

Ambry Genetics
Classification: Uncertain significance for Hereditary cancer-predisposing syndrome. Last evaluated: 2025-09-28. Review status: criteria provided, single submitter. Criteria: Ambry Variant Classification Scheme 2023. Collection method: clinical testing. Allele origin: germline.
Comment: The p.P170R variant (also known as c.509C>G), located in coding exon 5 of the NBN gene, results from a C to G substitution at nucleotide position 509. The proline at codon 170 is replaced by arginine, an amino acid with dissimilar properties. This amino acid position is highly conserved in available vertebrate species. In addition, this alteration is predicted to be deleterious by in silico analysis. Since supporting evidence is limited at this time, the clinical significance of this alteration remains unclear.

NM_002485.5(NBN):c.509C>G (p.Pro170Arg)

Gene: NBN (nibrin; minus strand). Cytogenetic location: 8q21.3.
Variant type: single nucleotide variant.
Coding change: c.509C>G on transcript NM_002485.5 (MANE Select); coding-DNA position 509, C replaced by G.
Protein change: p.Pro170Arg; replaces proline 170 with arginine.
Molecular consequence: missense variant.
Genome position (GRCh38, 1-based): chr8:89,978,295, G>C on the plus strand (C>G on the coding strand, the complement: NBN is on the minus strand). VCF-style: chr8-89978295-G-C. GRCh37 (hg19) VCF-style: chr8-90990523-G-C.
Other names: c.263C>G, p.Pro88Arg (NM_001024688.3); short protein forms P88R, P170R.
Identifiers: ClinVar variation 1745316 (VCV001745316.3), dbSNP rs587782411, ClinGen allele CA371660398.
Genomic context (GRCh38, chr8:89,978,295, plus strand): 5'-GGCTGCTTCTTGGACTCAACTGCTTTCAGGAATTCAGTAAAATATTCTGGCTTTACAATT[G>C]GACGTCCACAAATGAGTGCACATATTGTCTACAATGAAGAAAACATGTGAATATATATAT-3'
Protein context (NP_002476.2, residues 160-180): KTICALICGR[Pro170Arg]IVKPEYFTEF